The following is an entry in ClinVar:

ClinVar aggregate classification (germline): Uncertain significance. Review status: criteria provided, multiple submitters, no conflicts (2 of 4 stars). 2 submissions from 2 submitters: Uncertain significance (2). Last evaluated 2024-01-05.

Allele frequency attached by ClinVar (database versions not stated): TOPMed 0.00001.

Submissions (2):

Blueprint Genetics
Classification: Uncertain significance. Last evaluated: 2024-01-05. Review status: criteria provided, single submitter. Criteria: ACMG Guidelines, 2015. Collection method: clinical testing. Allele origin: germline.

Labcorp Genetics (formerly Invitae), Labcorp
Classification: Uncertain significance. Last evaluated: 2023-07-29. Review status: criteria provided, single submitter. Criteria: Invitae Variant Classification Sherloc (09022015). Collection method: clinical testing. Allele origin: germline.
Comment: In summary, the available evidence is currently insufficient to determine the role of this variant in disease. Therefore, it has been classified as a Variant of Uncertain Significance. Advanced modeling of protein sequence and biophysical properties (such as structural, functional, and spatial information, amino acid conservation, physicochemical variation, residue mobility, and thermodynamic stability) has been performed at Invitae for this missense variant, however the output from this modeling did not meet the statistical confidence thresholds required to predict the impact of this variant on TECTA protein function. This variant has not been reported in the literature in individuals affected with TECTA-related conditions. This variant is not present in population databases (gnomAD no frequency). This sequence change replaces arginine, which is basic and polar, with cysteine, which is neutral and slightly polar, at codon 1742 of the TECTA protein (p.Arg1742Cys).

NM_005422.4(TECTA):c.5224C>T (p.Arg1742Cys)

Genes: TBCEL-TECTA (TBCEL-TECTA readthrough; plus strand), TECTA (tectorin alpha; plus strand). Cytogenetic location: 11q23.3.
Variant type: single nucleotide variant.
Coding change: c.5224C>T on transcript NM_005422.4 (MANE Select); coding-DNA position 5224, C replaced by T.
Protein change: p.Arg1742Cys; replaces arginine 1742 with cysteine.
Molecular consequence: missense variant.
Genome position (GRCh38, 1-based): chr11:121,162,322, C>T. VCF-style: chr11-121162322-C-T. GRCh37 (hg19) VCF-style: chr11-121033031-C-T.
Other names: c.6166C>T, p.Arg2056Cys (NM_001378761.1); short protein forms R1742C, R2056C.
Identifiers: ClinVar variation 2792701 (VCV002792701.4), dbSNP rs1247677993, ClinGen allele CA383032271.